The following is an entry in ClinVar:

ClinVar aggregate classification (germline): Uncertain significance (1 of 4 stars; one submission).

Conditions:
Neuropathy, hereditary sensory and autonomic, type 2A (HSAN2A). Also called: ACROOSTEOLYSIS, GIACCAI TYPE; ACROOSTEOLYSIS, NEUROGENIC; MORVAN DISEASE; NEUROPATHY, CONGENITAL SENSORY; NEUROPATHY, HEREDITARY SENSORY RADICULAR, AUTOSOMAL RECESSIVE; NEUROPATHY, HEREDITARY SENSORY, TYPE IIA. Identifiers: Orphanet 970, MedGen C2752089, MONDO:0024309, OMIM 201300.
Pseudohypoaldosteronism type 2C (PHA2C). Also called: Pseudohypoaldosteronism Type IIC. Identifiers: Orphanet 757, Orphanet 88940, MedGen C1840391, MONDO:0013778, OMIM 614492.

Allele frequency attached by ClinVar (database versions not stated): gnomAD exomes below 0.00001.

Submission:

Labcorp Genetics (formerly Invitae), Labcorp
Classification: Uncertain significance for Neuropathy, hereditary sensory and autonomic, type 2A; Pseudohypoaldosteronism type 2C. Last evaluated: 2023-09-08. Review status: criteria provided, single submitter. Criteria: Invitae Variant Classification Sherloc (09022015). Collection method: clinical testing. Allele origin: germline.
Comment: This sequence change replaces proline, which is neutral and non-polar, with serine, which is neutral and polar, at codon 21 of the WNK1 protein (p.Pro21Ser). This variant is not present in population databases (gnomAD no frequency). This variant has not been reported in the literature in individuals affected with WNK1-related conditions. Advanced modeling of protein sequence and biophysical properties (such as structural, functional, and spatial information, amino acid conservation, physicochemical variation, residue mobility, and thermodynamic stability) performed at Invitae indicates that this missense variant is not expected to disrupt WNK1 protein function. In summary, the available evidence is currently insufficient to determine the role of this variant in disease. Therefore, it has been classified as a Variant of Uncertain Significance.

NM_018979.4(WNK1):c.61C>T (p.Pro21Ser)

Gene: WNK1 (WNK lysine deficient protein kinase 1; plus strand). Cytogenetic location: 12p13.33.
Variant type: single nucleotide variant.
Coding change: c.61C>T on transcript NM_018979.4 (MANE Select); coding-DNA position 61, C replaced by T.
Protein change: p.Pro21Ser; replaces proline 21 with serine.
Molecular consequence: missense variant.
Genome position (GRCh38, 1-based): chr12:753,626, C>T. VCF-style: chr12-753626-C-T. GRCh37 (hg19) VCF-style: chr12-862792-C-T.
Other names: c.61C>T, p.Pro21Ser (NM_001184985.2, NM_014823.3, NM_213655.5); short protein forms P21S.
Identifiers: ClinVar variation 2947205 (VCV002947205.3), dbSNP rs1331460551, ClinGen allele CA383303522.